The following is an entry in ClinVar:

ClinVar aggregate classification (germline): Uncertain significance (1 of 4 stars; one submission).

Conditions:
Immunodeficiency-centromeric instability-facial anomalies syndrome 2 (ICF2). Identifiers: Orphanet 2268, MedGen C3279748, MONDO:0013553, OMIM 614069.

Allele frequency attached by ClinVar (database versions not stated): gnomAD exomes below 0.00001; ExAC 0.00001; gnomAD 0.00001; TOPMed 0.00002.
gnomAD v4.1: 9 of 1,614,086 alleles (0.00056%); highest among the groups gnomAD compares: East Asian, 0.011%; no homozygotes.

Submission:

Labcorp Genetics (formerly Invitae), Labcorp
Classification: Uncertain significance for Immunodeficiency-centromeric instability-facial anomalies syndrome 2. Last evaluated: 2025-01-13. Review status: criteria provided, single submitter. Criteria: Invitae Variant Classification Sherloc (09022015). Collection method: clinical testing. Allele origin: germline.
Comment: This sequence change replaces histidine, which is basic and polar, with arginine, which is basic and polar, at codon 649 of the ZBTB24 protein (p.His649Arg). This variant is present in population databases (rs747559831, gnomAD 0.02%). This variant has not been reported in the literature in individuals affected with ZBTB24-related conditions. ClinVar contains an entry for this variant (Variation ID: 1929304). An algorithm developed to predict the effect of missense changes on protein structure and function outputs the following: PolyPhen-2: "Benign". The arginine amino acid residue is found in multiple mammalian species, which suggests that this missense change does not adversely affect protein function. In summary, the available evidence is currently insufficient to determine the role of this variant in disease. Therefore, it has been classified as a Variant of Uncertain Significance.

NM_014797.3(ZBTB24):c.1946A>G (p.His649Arg)

Gene: ZBTB24 (zinc finger and BTB domain containing 24; minus strand). Cytogenetic location: 6q21.
Variant type: single nucleotide variant.
Coding change: c.1946A>G on transcript NM_014797.3 (MANE Select); coding-DNA position 1946, A replaced by G.
Protein change: p.His649Arg; replaces histidine 649 with arginine.
Molecular consequence: missense variant.
Genome position (GRCh38, 1-based): chr6:109,465,999, T>C on the plus strand (A>G on the coding strand, the complement: ZBTB24 is on the minus strand). VCF-style: chr6-109465999-T-C. GRCh37 (hg19) VCF-style: chr6-109787202-T-C.
Other names: short protein forms H649R.
Identifiers: ClinVar variation 1929304 (VCV001929304.4), dbSNP rs747559831, ClinGen allele CA3953989.